The following is an entry in ClinVar:

NM_000330.4(RS1):c.574C>G (p.Pro192Ala)

Genes: CDKL5 (cyclin dependent kinase like 5; plus strand), RS1 (retinoschisin 1; minus strand). Cytogenetic location: Xp22.13.
Variant type: single nucleotide variant.
Coding change: c.574C>G on transcript NM_000330.4 (MANE Select); coding-DNA position 574, C replaced by G.
Protein change: p.Pro192Ala; replaces proline 192 with alanine.
Molecular consequence: missense variant. On other transcripts: intron variant (2).
Genome position (GRCh38, 1-based): chrX:18,642,105, G>C on the plus strand (C>G on the coding strand, the complement: RS1 is on the minus strand). VCF-style: chrX-18642105-G-C. GRCh37 (hg19) VCF-style: chrX-18660225-G-C.
Other names: NM_000330.4(RS1):c.574C>G; p.Pro192Ala; c.2714-3902G>C (NM_003159.3, NM_001037343.2); short protein forms P192A.
Identifiers: ClinVar variation 1346487 (VCV001346487.9), dbSNP rs61753174, ClinGen allele CA412370415.
Genomic context (GRCh38, chrX:18,642,105, plus strand): 5'-TGGCAATGCGGACGTGCCAGCCCAGCGGGATGAGGCGGATGAAGCGGGAGATGATGGGGG[G>C]CCGCAGCAGGTTCTGAACCGTGGAGGTGCGGTCCGAGTTGCCATAGAAGACCTAGAGAGA-3'
Protein context (NP_000321.1, residues 182-202): RTSTVQNLLR[Pro192Ala]PIISRFIRLI

ClinVar aggregate classification (germline): Uncertain significance. Review status: reviewed by expert panel (3 of 4 stars). 2 submissions from 2 submitters: Uncertain significance (1). 1 of the submissions does not count toward it. Last evaluated 2026-09-26.

Conditions:
Juvenile retinoschisis (RS1). Also called: X-linked retinoschisis; X-Linked Juvenile Retinoschisis. Identifiers: Orphanet 792, MedGen C3714753, MONDO:0010725, OMIM 312700.

Submissions (2):

ClinGen X-linked Inherited Retinal Disease Variant Curation Expert Panel, ClinGen
Classification: Uncertain significance for Juvenile retinoschisis. Last evaluated: 2026-09-26. Review status: reviewed by expert panel. Criteria: ClinGen X LinkedIRD ACMG Specifications RS1 V1.0.0. Collection method: curation. Allele origin: germline. Inheritance: X-linked inheritance.
Comment: The NM_000330.4(RS1):c.574C>G (p.Pro192Ala) variant is a missense variant encoding the substitution of Proline and Alanine at amino acid 192. This variant is absent from hemizygous individuals in gnomAD v4.1.0 (PM2_Supporting). The computational predictor REVEL gives a score of 0.923, which is within the ClinGen X-linked IRD VCEP range between 0.931 and 0.773 and predicts a damaging effect on RS1 function (PP3_moderate). The computational splicing predictor SpliceAI gives a delta score of 0.00 for all predictive splice changes, which is below the ClinGen X-linked IRD VCEP threshold of >0.2 and does not predict that the variant disrupts RS1 splicing. Another missense variant in the same codon, NM_000330.4(RS1):c.574C>T (p.Pro192Ser), (PMIDs: 9326935, 10636421, 17987333, 19093009, 28348004, 30551202, 30652005, 34828422, 39293640, 17515881, 20809529) and NM_000330.4(RS1):c.575C>T (p.Pro192Leu), (PMIDs: 19093009, 19324861, 28348004, 33124204, 36460718, 32300273) has been classified as pathogenic for X-linked retinoschisis by the ClinGen X-linked IRD VCEP, while no benign missense variants have been identified in this codon. The present variant has a lower Grantham’s distance (27) than the comparison variant (98 / 74), and therefore, the PM5 code does not meet. This variant has been reported in at least 3 apparently unrelated probands meeting one of the PS4 requirements of a male diagnosed with XLRS (PMIDs: 15937075, 32856788, 38219857, 36729443, PS4_Moderate). In summary, this variant is classified as a variant of uncertain significance for X-linked retinoschisis based on the ClinGen X-linked Inherited Retinal Disease Expert Panel Specifications to the ACMG/AMP Variant Interpretation Guidelines for RS1 Version 1.0.0: PM2_Supporting, PP3_Moderate, and PS4_Moderate.

Labcorp Genetics (formerly Invitae), Labcorp
Classification: Likely pathogenic. Last evaluated: 2020-12-18. Review status: criteria provided, single submitter. Criteria: Invitae Variant Classification Sherloc (09022015). Collection method: clinical testing. Allele origin: germline. Not counted in ClinVar's aggregate classification.
Comment: In summary, the currently available evidence indicates that the variant is pathogenic, but additional data are needed to prove that conclusively. Therefore, this variant has been classified as Likely Pathogenic. This variant disrupts the p.Pro192 amino acid residue in RS1. Other variant(s) that disrupt this residue have been determined to be pathogenic (PMID: 9326935, 10533068, 28348004). This suggests that this residue is clinically significant, and that variants that disrupt this residue are likely to be disease-causing. Advanced modeling of protein sequence and biophysical properties (such as structural, functional, and spatial information, amino acid conservation, physicochemical variation, residue mobility, and thermodynamic stability) performed at Invitae indicates that this missense variant is expected to disrupt RS1 protein function. This variant has been observed in individual(s) with X-linked retinoschisis (PMID: 15937075). This variant is not present in population databases (ExAC no frequency). This sequence change replaces proline with alanine at codon 192 of the RS1 protein (p.Pro192Ala). The proline residue is highly conserved and there is a small physicochemical difference between proline and alanine.

Literature cited by the submitters: PubMed 9326935 (cited by Labcorp Genetics (formerly Invitae), Labcorp); PubMed 10533068 (cited by Labcorp Genetics (formerly Invitae), Labcorp); PubMed 28348004 (cited by Labcorp Genetics (formerly Invitae), Labcorp); PubMed 15937075 (cited by Labcorp Genetics (formerly Invitae), Labcorp).